The following is an entry in ClinVar:

ClinVar aggregate classification (germline): Pathogenic. Review status: criteria provided, single submitter (1 of 4 stars). 2 submissions from 2 submitters: Pathogenic (1). 1 of the submissions does not count toward it. Last evaluated 2022-06-28.

Conditions:
Cataract 6 multiple types. Also called: CATARACT 6, CONGENITAL TOTAL; CATARACT, AGE-RELATED CORTICAL, 2; CATARACT 6, POSTERIOR POLAR. Identifiers: Orphanet 91492, MedGen C1861825, MONDO:0007288, OMIM 116600.
EPHA2-related disorder. Also called: EPHA2-related condition.

Allele frequency attached by ClinVar (database versions not stated): ExAC 0.00001; gnomAD 0.00001; gnomAD exomes 0.00002; TOPMed 0.00002.

Submissions (2):

Labcorp Genetics (formerly Invitae), Labcorp
Classification: Pathogenic for Cataract 6 multiple types. Last evaluated: 2022-06-28. Review status: criteria provided, single submitter. Criteria: Invitae Variant Classification Sherloc (09022015). Collection method: clinical testing. Allele origin: germline.
Comment: This sequence change creates a premature translational stop signal (p.Ser330Phefs*51) in the EPHA2 gene. It is expected to result in an absent or disrupted protein product. Loss-of-function variants in EPHA2 are known to be pathogenic (PMID: 19649315, 22167091, 25148791). This variant is present in population databases (rs757313469, gnomAD 0.0009%). This premature translational stop signal has been observed in individual(s) with cataracts (PMID: 29770612). This premature translational stop signal has been observed in at least one individual who was not affected with EPHA2-related conditions (Invitae). For these reasons, this variant has been classified as Pathogenic.

PreventionGenetics, part of Exact Sciences
Classification: Likely pathogenic for EPHA2-related condition. Last evaluated: 2024-05-22. Review status: no assertion criteria provided. Collection method: clinical testing. Allele origin: germline. Not counted in ClinVar's aggregate classification.
Comment: The EPHA2 c.988dupT variant is predicted to result in a frameshift and premature protein termination (p.Ser330Phefs*51). This variant in the homozygous state along with a homozygous variant in GCNT2 has been reported in an individual with pediatric cataracts (Table 1, Javadiyan et al. 2018. PubMed ID: 29770612). This variant is reported in 0.00090% of alleles in individuals of European (non-Finnish) descent in gnomAD. Frameshift variants in EPHA2 are expected to be pathogenic. This variant is interpreted as likely pathogenic.

Literature cited by the submitters: PubMed 19649315 (cited by Labcorp Genetics (formerly Invitae), Labcorp); PubMed 22167091 (cited by Labcorp Genetics (formerly Invitae), Labcorp); PubMed 25148791 (cited by Labcorp Genetics (formerly Invitae), Labcorp); PubMed 29770612 (cited by Labcorp Genetics (formerly Invitae), Labcorp).

NM_004431.5(EPHA2):c.988dup (p.Ser330fs)

Gene: EPHA2 (EPH receptor A2; minus strand). Cytogenetic location: 1p36.13.
Variant type: Duplication.
Coding change: c.988dup on transcript NM_004431.5 (MANE Select); coding-DNA position 988, one base duplicated (T; older notation c.988dupT).
Protein change: p.Ser330fs; shifts the reading frame from serine 330.
Molecular consequence: frameshift variant.
Genome position (GRCh38, 1-based): chr1:16,138,177, A duplicated on the plus strand (T on the coding strand, the reverse complement: EPHA2 is on the minus strand). VCF-style (leftmost placement, unchanged base first): chr1-16138176-G-GA. GRCh37 (hg19) VCF-style: chr1-16464671-G-GA.
Other names: c.826dup, p.Ser276fs (NM_001329090.2); c.988dupT (NM_004431.4); short protein forms S276fs, S330fs.
Identifiers: ClinVar variation 2066016 (VCV002066016.2), dbSNP rs757313469, ClinGen allele CA625350.